The following is an entry in ClinVar:

ClinVar aggregate classification (germline): Uncertain significance. Review status: criteria provided, multiple submitters, no conflicts (2 of 4 stars). 2 submissions from 2 submitters: Uncertain significance (2). Last evaluated 2023-09-25.

Conditions:
Pancreatic adenocarcinoma. Identifiers: MedGen C0281361, MONDO:0006047, HP:0006725.

Allele frequency attached by ClinVar (database versions not stated): gnomAD exomes below 0.00001 and 0.00001; TOPMed below 0.00001; ExAC 0.00001; gnomAD 0.00001.
gnomAD v4.1: 4 of 1,613,912 alleles (0.00025%); highest among the groups gnomAD compares: African/African-American, 0.0013%; no homozygotes.

Submissions (2):

Ambry Genetics
Classification: Uncertain significance. Last evaluated: 2023-09-25. Review status: criteria provided, single submitter. Criteria: Ambry Variant Classification Scheme 2023. Collection method: clinical testing. Allele origin: germline.
Comment: The p.E671V variant (also known as c.2012A>T), located in coding exon 10 of the PALLD gene, results from an A to T substitution at nucleotide position 2012. The glutamic acid at codon 671 is replaced by valine, an amino acid with dissimilar properties. This amino acid position is conserved. In addition, the in silico prediction for this alteration is inconclusive. Since supporting evidence is limited at this time, the clinical significance of this alteration remains unclear.

Labcorp Genetics (formerly Invitae), Labcorp
Classification: Uncertain significance for Pancreatic adenocarcinoma. Last evaluated: 2020-03-29. Review status: criteria provided, single submitter. Criteria: Invitae Variant Classification Sherloc (09022015). Collection method: clinical testing. Allele origin: germline.
Comment: In summary, the available evidence is currently insufficient to determine the role of this variant in disease. Therefore, it has been classified as a Variant of Uncertain Significance. Algorithms developed to predict the effect of missense changes on protein structure and function are either unavailable or do not agree on the potential impact of this missense change (SIFT: "Deleterious"; PolyPhen-2: "Benign"; Align-GVGD: "Class C65"). This variant has not been reported in the literature in individuals with PALLD-related conditions. This variant is present in population databases (rs753140123, ExAC 0.01%). This sequence change replaces glutamic acid with valine at codon 184 of the PALLD protein (p.Glu184Val). The glutamic acid residue is highly conserved and there is a moderate physicochemical difference between glutamic acid and valine.

NM_001166108.2(PALLD):c.2012A>T (p.Glu671Val)

Gene: PALLD (palladin, cytoskeletal associated protein; plus strand). Cytogenetic location: 4q32.3.
Variant type: single nucleotide variant.
Coding change: c.2012A>T on transcript NM_001166108.2 (MANE Select); coding-DNA position 2012, A replaced by T.
Protein change: p.Glu671Val; replaces glutamic acid 671 with valine.
Molecular consequence: missense variant. On other transcripts: 5 prime UTR variant (4).
Genome position (GRCh38, 1-based): chr4:168,890,969, A>T. VCF-style: chr4-168890969-A-T. GRCh37 (hg19) VCF-style: chr4-169812120-A-T.
Other names: c.866A>T, p.Glu289Val (NM_001166109.2); c.551A>T, p.Glu184Val (NM_001166110.2); c.-110A>T (NM_001367567.1, NM_001367568.1, NM_001367569.1 and 1 more transcripts); c.2012A>T, p.Glu671Val (NM_016081.4); short protein forms E184V, E289V, E671V.
Identifiers: ClinVar variation 1047562 (VCV001047562.11), dbSNP rs753140123, ClinGen allele CA3135802.
Genomic context (GRCh38, chr4:168,890,969, plus strand): 5'-TTTTATCCTGCAGAGGATTTCCAAAGAAGGCCAGTAGAACTGCTAGAATAGCCTCCGATG[A>T]GGAAATTCAAGGCACAAAGGATGCTGTTATTCAAGACCTGGAACGAAAACTTCGCTTCAA-3'
Protein context (NP_001159580.1, residues 661-681): ASRTARIASD[Glu671Val]EIQGTKDAVI